The following is an entry in ClinVar:

NM_000288.4(PEX7):c.519A>C (p.Ser173=)

Gene: PEX7 (peroxisomal biogenesis factor 7; plus strand). Cytogenetic location: 6q23.3.
Variant type: single nucleotide variant.
Coding change: c.519A>C on transcript NM_000288.4 (MANE Select); coding-DNA position 519, A replaced by C.
Protein change: p.Ser173=; no amino-acid change (serine 173 retained).
Molecular consequence: synonymous variant.
Genome position (GRCh38, 1-based): chr6:136,846,174, A>C. VCF-style: chr6-136846174-A-C. GRCh37 (hg19) VCF-style: chr6-137167312-A-C.
Other names: c.405A>C, p.Ser135= (NM_001410945.1).
Identifiers: ClinVar variation 4991045 (VCV004991045.1).

ClinVar aggregate classification (germline): Likely benign (1 of 4 stars; one submission).

Conditions:
PEX7-related disorder. Also called: PEX7-related disorders; PEX7-related condition. Identifiers: MedGen CN239409.

Submission:

PreventionGenetics, part of Exact Sciences
Classification: Likely benign for PEX7-related condition. Last evaluated: 2026-08-25. Review status: criteria provided, single submitter. Criteria: ACMG Guidelines, 2015. Collection method: clinical testing. Allele origin: germline.
Comment: This variant is classified as likely benign based on ACMG/AMP sequence variant interpretation guidelines (Richards et al. 2015 PMID: 25741868, with internal and published modifications).